The following is an entry in ClinVar:

ClinVar aggregate classification (germline): Uncertain significance (1 of 4 stars; one submission).

Submission:

CeGaT Center for Human Genetics Tuebingen
Classification: Uncertain significance. Last evaluated: 2024-05-01. Review status: criteria provided, single submitter. Criteria: CeGaT Center For Human Genetics Tuebingen Variant Classification Criteria Version 2. Collection method: clinical testing. Allele origin: germline. Affected: yes. Observed: 1 variant allele.
Comment: MAGT1: PM2, BP1

NM_001367916.1(MAGT1):c.685G>A (p.Ala229Thr)

Gene: MAGT1 (magnesium transporter 1; minus strand). Cytogenetic location: Xq21.1.
Variant type: single nucleotide variant.
Coding change: c.685G>A on transcript NM_001367916.1 (MANE Select); coding-DNA position 685, G replaced by A.
Protein change: p.Ala229Thr; replaces alanine 229 with threonine.
Molecular consequence: missense variant.
Genome position (GRCh38, 1-based): chrX:77,855,578, C>T on the plus strand (G>A on the coding strand, the complement: MAGT1 is on the minus strand). VCF-style: chrX-77855578-C-T. GRCh37 (hg19) VCF-style: chrX-77111075-C-T.
Other names: c.781G>A, p.Ala261Thr (NM_032121.5); short protein forms A229T, A261T.
Identifiers: ClinVar variation 3239583 (VCV003239583.19), dbSNP rs2521993646.